The following is an entry in ClinVar:

ClinVar aggregate classification (germline): Likely benign. Review status: criteria provided, multiple submitters, no conflicts (2 of 4 stars). 6 submissions from 6 submitters: Likely benign (6). Last evaluated 2026-05-20.

Conditions:
Familial thoracic aortic aneurysm and aortic dissection (TAAD). Also called: Thoracic aortic aneurysms and dissections. Identifiers: Orphanet 91387, MedGen C4707243, MONDO:0019625.
Aortic aneurysm, familial thoracic 6 (AAT6). Also called: FAMILIAL THORACIC AORTIC ANEURYSM WITH LIVEDO RETICULARIS AND IRIS FLOCCULI. Identifiers: MedGen C2673186, MONDO:0012730, OMIM 611788.

Allele frequency attached by ClinVar (database versions not stated): TOPMed 0.00001; ExAC 0.00003; gnomAD exomes 0.00002.
gnomAD v4.1: 21 of 1,613,168 alleles (0.0013%); highest among the groups gnomAD compares: Non-Finnish European, 0.0018%; no homozygotes.

Submissions (6):

Ambry Genetics
Classification: Likely benign for Familial thoracic aortic aneurysm and aortic dissection. Last evaluated: 2026-05-20. Review status: criteria provided, single submitter. Criteria: Ambry Variant Classification Scheme 2023. Collection method: clinical testing. Allele origin: germline.

Labcorp Genetics (formerly Invitae), Labcorp
Classification: Likely benign for Aortic aneurysm, familial thoracic 6. Last evaluated: 2025-01-26. Review status: criteria provided, single submitter. Criteria: Invitae Variant Classification Sherloc (09022015). Collection method: clinical testing. Allele origin: germline.

Mayo Clinic Laboratories, Mayo Clinic
Classification: Likely benign. Last evaluated: 2025-01-14. Review status: criteria provided, single submitter. Criteria: ACMG Guidelines, 2015. Collection method: clinical testing. Allele origin: germline. Observed: 1 variant allele.
Comment: BP4, BP7

All of Us Research Program, National Institutes of Health
Classification: Likely benign for Familial thoracic aortic aneurysm and aortic dissection. Last evaluated: 2023-11-20. Review status: criteria provided, single submitter. Criteria: ACMG Guidelines, 2015. Collection method: clinical testing. Allele origin: germline. Inheritance: Autosomal dominant inheritance. Observed: 4 variant alleles, 4 heterozygotes.
Comment: This study involves interpretation of variants in research participants for the purpose of population health screening. Participant phenotype was not available at the time of variant classification. Additional details can be found in publication PMID: 35346344, PMCID: PMC8962531

Color Diagnostics, LLC DBA Color Health
Classification: Likely benign for Familial thoracic aortic aneurysm and aortic dissection. Last evaluated: 2018-12-31. Review status: criteria provided, single submitter. Criteria: ACMG Guidelines, 2015. Collection method: clinical testing. Allele origin: germline.

GeneDx
Classification: Likely benign. Last evaluated: 2018-08-09. Review status: criteria provided, single submitter. Criteria: GeneDx Variant Classification Process June 2021. Collection method: clinical testing. Allele origin: germline. Affected: yes.

NM_001613.4(ACTA2):c.1131C>T (p.Phe377=)

Genes: ACTA2 (actin alpha 2, smooth muscle; minus strand), ACTA2-AS1 (ACTA2 antisense RNA 1; plus strand). Cytogenetic location: 10q23.31.
Variant type: single nucleotide variant.
Coding change: c.1131C>T on transcript NM_001613.4 (MANE Select); coding-DNA position 1131, C replaced by T.
Protein change: p.Phe377=; no amino-acid change (phenylalanine 377 retained).
Molecular consequence: synonymous variant. On other transcripts: non-coding transcript variant (1).
Genome position (GRCh38, 1-based): chr10:88,935,226, G>A on the plus strand (C>T on the coding strand, the complement: ACTA2 is on the minus strand). VCF-style: chr10-88935226-G-A. GRCh37 (hg19) VCF-style: chr10-90694983-G-A.
Other names: p.Phe377=; c.1131C>T, p.Phe377= (NM_001141945.3, NM_001320855.2, NM_001406462.1 and 2 more transcripts); c.1020C>T, p.Phe340= (NM_001406466.1); c.1002C>T, p.Phe334= (NM_001406467.1, NM_001406468.1, NM_001406469.1); c.939C>T, p.Phe313= (NM_001406471.1).
Identifiers: ClinVar variation 922062 (VCV000922062.12), dbSNP rs1062399, ClinGen allele CA026815.